The following is an entry in ClinVar:

NM_001375524.1(TRRAP):c.5414A>G (p.Asn1805Ser)

Gene: TRRAP (transformation/transcription domain associated protein; plus strand). Cytogenetic location: 7q22.1.
Variant type: single nucleotide variant.
Coding change: c.5414A>G on transcript NM_001375524.1 (MANE Select); coding-DNA position 5414, A replaced by G.
Protein change: p.Asn1805Ser; replaces asparagine 1805 with serine.
Molecular consequence: missense variant.
Genome position (GRCh38, 1-based): chr7:98,950,955, A>G. VCF-style: chr7-98950955-A-G. GRCh37 (hg19) VCF-style: chr7-98548578-A-G.
Other names: c.5393A>G, p.Asn1798Ser (NM_001244580.2); c.5339A>G, p.Asn1780Ser (NM_003496.4); c.5339A>G (NM_003496.3); short protein forms N1805S, N1780S, N1798S.
Identifiers: ClinVar variation 2225411 (VCV002225411.3), dbSNP rs148138276, ClinGen allele CA163091044.

ClinVar aggregate classification (germline): Uncertain significance. Review status: criteria provided, multiple submitters, no conflicts (2 of 4 stars). 2 submissions from 2 submitters: Uncertain significance (2). Last evaluated 2026-06-23.

Conditions:
Inborn genetic diseases. Identifiers: MedGen C0950123, MeSH D030342.
TRRAP-related disorder. Also called: TRRAP-related condition.

Allele frequency attached by ClinVar (database versions not stated): gnomAD exomes 0.00001; TOPMed 0.00001; ESP Exome Variant Server 0.00008.
gnomAD v4.1: 11 of 1,610,928 alleles (0.00068%); highest among the groups gnomAD compares: Non-Finnish European, 0.00085%; no homozygotes.

Submissions (2):

PreventionGenetics, part of Exact Sciences
Classification: Uncertain significance for TRRAP-related condition. Last evaluated: 2026-06-23. Review status: criteria provided, single submitter. Criteria: ACMG Guidelines, 2015. Collection method: clinical testing. Allele origin: germline.
Comment: The TRRAP c.5339A>G variant is predicted to result in the amino acid substitution p.Asn1780Ser. To our knowledge, this variant has not been reported in the literature. This variant is reported in 0.00089% of alleles in individuals of European (Non-Finnish) descent in gnomAD. At this time, the clinical significance of this variant is uncertain due to the absence of conclusive functional and genetic evidence.

Ambry Genetics
Classification: Uncertain significance for Inborn genetic diseases. Last evaluated: 2021-12-06. Review status: criteria provided, single submitter. Criteria: Ambry Variant Classification Scheme 2023. Collection method: clinical testing. Allele origin: germline.
Comment: The c.5393A>G (p.N1798S) alteration is located in exon 38 (coding exon 37) of the TRRAP gene. This alteration results from a A to G substitution at nucleotide position 5393, causing the asparagine (N) at amino acid position 1798 to be replaced by a serine (S). The p.N1798S alteration is predicted to be tolerated by in silico analysis. Based on insufficient or conflicting evidence, the clinical significance of this alteration remains unclear.